The following is an entry in ClinVar:

ClinVar aggregate classification (germline): Pathogenic. Review status: criteria provided, single submitter (1 of 4 stars). 3 submissions from 3 submitters: Pathogenic (1). 2 of the submissions do not count toward it. Last evaluated 2022-12-26.

Conditions:
TRPV4-related disorder. Also called: TRPV4-related condition; TRPV4-related disorders.
Skeletal dysplasia. Also called: Primary bone dysplasia. Identifiers: Orphanet 364526, MedGen C0410528, MONDO:0018230, HP:0002652.
Metatropic dysplasia (MTD). Also called: METATROPIC DWARFISM; Metatropic Dysplasia, TRPV4-Related; Metatropic dysplasia, nonlethal dominant. Identifiers: Orphanet 2635, MedGen C0265281, MONDO:0007986, OMIM 156530.

Submissions (3):

PreventionGenetics, part of Exact Sciences
Classification: Pathogenic for TRPV4-related condition. Last evaluated: 2022-12-26. Review status: criteria provided, single submitter. Criteria: ACMG Guidelines, 2015. Collection method: clinical testing. Allele origin: germline.
Comment: The TRPV4 c.266C>T variant is predicted to result in the amino acid substitution p.Thr89Ile. This variant was reported in an individual with metatropic dysplasia (Camacho et al 2010. PubMed ID: 20425821). This variant has not been reported in a large population database, indicating this variant is rare. This variant is interpreted as pathogenic.

OMIM
Classification: Pathogenic for METATROPIC DYSPLASIA. Last evaluated: 2010-05-01. Review status: no assertion criteria provided. Collection method: literature only. Allele origin: germline. Not counted in ClinVar's aggregate classification.

GeneReviews
No classification provided. Condition: Skeletal dysplasia. Review status: no classification provided. Collection method: literature only. Allele origin: germline. Affected: yes. Not counted in ClinVar's aggregate classification.

Literature cited by the submitters: PubMed 20425821 (cited by OMIM); NCBI Bookshelf NBK201366 (cited by GeneReviews).

NM_021625.5(TRPV4):c.266C>T (p.Thr89Ile)

Gene: TRPV4 (transient receptor potential cation channel subfamily V member 4; minus strand). Cytogenetic location: 12q24.11.
Variant type: single nucleotide variant.
Coding change: c.266C>T on transcript NM_021625.5 (MANE Select); coding-DNA position 266, C replaced by T.
Protein change: p.Thr89Ile; replaces threonine 89 with isoleucine.
Molecular consequence: missense variant.
Genome position (GRCh38, 1-based): chr12:109,814,531, G>A on the plus strand (C>T on the coding strand, the complement: TRPV4 is on the minus strand). VCF-style: chr12-109814531-G-A. GRCh37 (hg19) VCF-style: chr12-110252336-G-A.
Other names: c.266C>T, p.Thr89Ile (NM_001177428.2, NM_001177433.2, NM_147204.3); c.164C>T, p.Thr55Ile (NM_001177431.2); short protein forms T89I, T55I.
Identifiers: ClinVar variation 30470 (VCV000030470.6), dbSNP rs397514473, ClinGen allele CA129242.